The following is an entry in ClinVar:

ClinVar aggregate classification (germline): Uncertain significance (1 of 4 stars; one submission).

Conditions:
Leigh syndrome (NULS). Also called: Leigh Disease; Subacute necrotizing encephalopathy; Necrotizing encephalopathy infantile subacute of Leigh; Leigh's necrotizing encephalopathy; Leigh's disease; LEIGH SYNDROME, NUCLEAR. Identifiers: Orphanet 506, MedGen C2931891, MONDO:0009723, OMIM 256000.

Submission:

Labcorp Genetics (formerly Invitae), Labcorp
Classification: Uncertain significance for Leigh syndrome. Last evaluated: 2022-07-23. Review status: criteria provided, single submitter. Criteria: Invitae Variant Classification Sherloc (09022015). Collection method: clinical testing. Allele origin: germline.
Comment: In summary, the available evidence is currently insufficient to determine the role of this variant in disease. Therefore, it has been classified as a Variant of Uncertain Significance. Algorithms developed to predict the effect of missense changes on protein structure and function are either unavailable or do not agree on the potential impact of this missense change (SIFT: "Deleterious"; PolyPhen-2: "Probably Damaging"; Align-GVGD: "Class C0"). This variant has not been reported in the literature in individuals affected with SURF1-related conditions. This variant is not present in population databases (gnomAD no frequency). This sequence change replaces phenylalanine, which is neutral and non-polar, with cysteine, which is neutral and slightly polar, at codon 181 of the SURF1 protein (p.Phe181Cys).

NM_003172.4(SURF1):c.542T>G (p.Phe181Cys)

Gene: SURF1 (SURF1 cytochrome c oxidase assembly factor; minus strand). Cytogenetic location: 9q34.2.
Variant type: single nucleotide variant.
Coding change: c.542T>G on transcript NM_003172.4 (MANE Select); coding-DNA position 542, T replaced by G.
Protein change: p.Phe181Cys; replaces phenylalanine 181 with cysteine.
Molecular consequence: missense variant.
Genome position (GRCh38, 1-based): chr9:133,352,740, A>C on the plus strand (T>G on the coding strand, the complement: SURF1 is on the minus strand). VCF-style: chr9-133352740-A-C. GRCh37 (hg19) VCF-style: chr9-136219595-A-C.
Other names: c.215T>G, p.Phe72Cys (NM_001280787.1); short protein forms F181C, F72C.
Identifiers: ClinVar variation 1713402 (VCV001713402.5), dbSNP rs2119081467, ClinGen allele CA375694055.